The following is an entry in ClinVar:

NM_001048174.2(MUTYH):c.1063C>G (p.Leu355Val)

Gene: MUTYH (mutY DNA glycosylase; minus strand). Cytogenetic location: 1p34.1.
Variant type: single nucleotide variant.
Coding change: c.1063C>G on transcript NM_001048174.2 (MANE Select); coding-DNA position 1063, C replaced by G.
Protein change: p.Leu355Val; replaces leucine 355 with valine.
Molecular consequence: missense variant. On other transcripts: non-coding transcript variant (7).
Genome position (GRCh38, 1-based): chr1:45,331,700, G>C on the plus strand (C>G on the coding strand, the complement: MUTYH is on the minus strand). VCF-style: chr1-45331700-G-C. GRCh37 (hg19) VCF-style: chr1-45797372-G-C.
Other names: c.1105C>G, p.Leu369Val (NM_001407083.1, NM_001407085.1); c.1066C>G, p.Leu356Val (NM_001407086.1, NM_001407078.1, NM_001048172.2 and 1 more transcripts); c.1084C>G, p.Leu362Val (NM_001407087.1); c.1063C>G, p.Leu355Val (NM_001407088.1, NM_001407089.1, NM_001407081.1 and 6 more transcripts); c.787C>G, p.Leu263Val (NM_001407091.1, NM_001293192.2, NM_001293196.2); c.1138C>G, p.Leu380Val (NM_012222.3); c.1024C>G, p.Leu342Val (NM_001407079.1); c.1021C>G, p.Leu341Val (NM_001407080.1); and 5 more; short protein forms L362V, L263V, L327V, L341V, L342V, L370V, L383V, L240V.
Identifiers: ClinVar variation 4113054 (VCV004113054.1).

ClinVar aggregate classification (germline): Uncertain significance (1 of 4 stars; one submission).

Conditions:
Hereditary cancer-predisposing syndrome. Also called: Tumor predisposition; Neoplastic Syndromes, Hereditary; Hereditary neoplastic syndrome; Hereditary Cancer Syndrome. Identifiers: Orphanet 140162, MedGen C0027672, MeSH D009386, MONDO:0015356.

Submission:

Ambry Genetics
Classification: Uncertain significance for Hereditary cancer-predisposing syndrome. Last evaluated: 2025-08-27. Review status: criteria provided, single submitter. Criteria: Ambry Variant Classification Scheme 2023. Collection method: clinical testing. Allele origin: germline.
Comment: The p.L383V variant (also known as c.1147C>G), located in coding exon 12 of the MUTYH gene, results from a C to G substitution at nucleotide position 1147. The leucine at codon 383 is replaced by valine, an amino acid with highly similar properties. This amino acid position is conserved. In addition, this alteration is predicted to be tolerated by in silico analysis. Based on the available evidence, the clinical significance of this variant remains unclear.